The following is an entry in ClinVar:

NM_000059.4(BRCA2):c.3883C>T (p.Gln1295Ter)

Gene: BRCA2 (BRCA2 DNA repair associated; plus strand). Cytogenetic location: 13q13.1.
Variant type: single nucleotide variant.
Coding change: c.3883C>T on transcript NM_000059.4 (MANE Select); coding-DNA position 3883, C replaced by T.
Protein change: p.Gln1295Ter; replaces glutamine 1295 with a stop codon.
Molecular consequence: nonsense.
Genome position (GRCh38, 1-based): chr13:32,338,238, C>T. VCF-style: chr13-32338238-C-T. GRCh37 (hg19) VCF-style: chr13-32912375-C-T.
Other names: short protein forms Q1295*.
Identifiers: ClinVar variation 252424 (VCV000252424.22), dbSNP rs879255309, ClinGen allele CA10585895.

ClinVar aggregate classification (germline): Pathogenic. Review status: reviewed by expert panel (3 of 4 stars). 7 submissions from 7 submitters: Pathogenic (1). 6 of the submissions do not count toward it. Last evaluated 2017-12-15.

Conditions:
Hereditary cancer-predisposing syndrome. Also called: Tumor predisposition; Hereditary Cancer Syndrome; Neoplastic Syndromes, Hereditary; Hereditary neoplastic syndrome. Identifiers: Orphanet 140162, MedGen C0027672, MeSH D009386, MONDO:0015356.
Breast neoplasm. Also called: Breast Neoplasms; Neoplasm of breast; Breast tumor; Neoplasm of the breast. Identifiers: MedGen C1458155, MeSH D001943, MONDO:0021100, HP:0100013. Disease mechanism: gain of function.
Hereditary breast ovarian cancer syndrome. Also called: Hereditary breast and ovarian cancer; Breast and ovarian cancer; Hereditary breast and/or ovarian cancer syndrome; BRCA1- and BRCA2-Associated Hereditary Breast and Ovarian Cancer; Hereditary breast and ovarian cancer syndrome; Hereditary breast and ovarian cancer syndrome (HBOC). Identifiers: Orphanet 145, MedGen C0677776, MeSH D061325, MONDO:0003582. Disease mechanism: loss of function.
Breast-ovarian cancer, familial, susceptibility to, 2 (BROVCA2). Also called: BRCA2 Hereditary Breast and Ovarian Cancer. Identifiers: Orphanet 145, MedGen C2675520, MONDO:0012933, OMIM 612555. Disease mechanism: loss of function.
Breast cancer, susceptibility to. Identifiers: MedGen C3469522. Disease mechanism: gain of function.

Allele frequency attached by ClinVar (database versions not stated): TOPMed below 0.00001; gnomAD 0.00001.
gnomAD v4.1: 1 of 1,539,680 alleles (0.000065%); highest among the groups gnomAD compares: East Asian, 0.0023%; no homozygotes.

Submissions (7):

Evidence-based Network for the Interpretation of Germline Mutant Alleles (ENIGMA)
Classification: Pathogenic for Breast-ovarian cancer, familial, susceptibility to, 2. Last evaluated: 2017-12-15. Review status: reviewed by expert panel. Criteria: ENIGMA BRCA1/2 Classification Criteria (2017-06-29). Collection method: curation. Allele origin: germline. Study: ENIGMA.
Comment: Variant allele predicted to encode a truncated non-functional protein.

Ambry Genetics
Classification: Pathogenic for Hereditary cancer-predisposing syndrome. Last evaluated: 2024-05-14. Review status: criteria provided, single submitter. Criteria: Ambry Variant Classification Scheme 2023. Collection method: clinical testing. Allele origin: germline. Not counted in ClinVar's aggregate classification.
Comment: The p.Q1295* pathogenic mutation (also known as c.3883C>T), located in coding exon 10 of the BRCA2 gene, results from a C to T substitution at nucleotide position 3883. This changes the amino acid from a glutamine to a stop codon within coding exon 10. This variant is considered to be rare based on population cohorts in the Genome Aggregation Database (gnomAD). This mutation has been reported in Chinese hereditary breast/ovarian cancer cohorts (Sun J et al. Clin. Cancer Res. 2017 Oct;23:6113-6119; Fang M et al. Oncol. Lett. 2018 Mar;15:3068-3074; Wang YA et al. BMC Cancer 2018 03;18:315; Li JY et al. Int. J. Cancer 2019 Jan;144:281-289). In addition to the clinical data presented in the literature, this alteration is expected to result in loss of function by premature protein truncation or nonsense-mediated mRNA decay. As such, this alteration is interpreted as a disease-causing mutation.

Labcorp Genetics (formerly Invitae), Labcorp
Classification: Pathogenic for Hereditary breast ovarian cancer syndrome. Last evaluated: 2022-01-27. Review status: criteria provided, single submitter. Criteria: Invitae Variant Classification Sherloc (09022015). Collection method: clinical testing. Allele origin: germline. Not counted in ClinVar's aggregate classification.
Comment: This premature translational stop signal has been observed in individual(s) with family or personal history of breast and/or ovarian cancer (PMID: 28724667, 29435039, 29566657, 29752822). This sequence change creates a premature translational stop signal (p.Gln1295*) in the BRCA2 gene. It is expected to result in an absent or disrupted protein product. Loss-of-function variants in BRCA2 are known to be pathogenic (PMID: 20104584). This variant is not present in population databases (gnomAD no frequency). ClinVar contains an entry for this variant (Variation ID: 252424). For these reasons, this variant has been classified as Pathogenic.

Quest Diagnostics Nichols Institute San Juan Capistrano
Classification: Pathogenic. Last evaluated: 2018-12-12. Review status: criteria provided, single submitter. Criteria: Quest Diagnostics criteria. Collection method: clinical testing. Allele origin: germline. Not counted in ClinVar's aggregate classification.
Comment: The variant creates a premature nonsense codon, and is therefore predicted to result in the loss of a functional protein. Found in at least one symptomatic patient, and not found in general population data.

Cancer Molecular Diagnostics Core, Tianjin Medical University Cancer Institute and Hospital
Classification: Likely pathogenic for Breast cancer, susceptibility to. Last evaluated: 2018-03-25. Review status: criteria provided, single submitter. Criteria: ACMG Guidelines, 2015. Collection method: research. Allele origin: germline. Affected: yes. Observed: 1 variant allele. Not counted in ClinVar's aggregate classification.

Yang An-Suei Laboratory, Academia Sinica
Classification: Pathogenic for breast cancer. Review status: criteria provided, single submitter. Criteria: Submitter's publication. Collection method: clinical testing. Allele origin: germline. Affected: yes. Not counted in ClinVar's aggregate classification.

Research Molecular Genetics Laboratory, Women's College Hospital, University of Toronto
Classification: Pathogenic for Hereditary breast ovarian cancer syndrome. Last evaluated: 2014-01-31. Review status: no assertion criteria provided. Collection method: research. Allele origin: germline. Affected: yes. Study: The Canadian Open Genetics Repository (COGR). Not counted in ClinVar's aggregate classification.

Literature cited by the submitters: PubMed 28724667 (cited by 3 submitters); PubMed 29435039 (cited by 3 submitters); PubMed 29566657 (cited by 3 submitters); PubMed 29752822 (cited by 3 submitters); PubMed 30039884 (cited by Ambry Genetics); PubMed 30702160 (cited by Ambry Genetics); PubMed 20104584 (cited by Labcorp Genetics (formerly Invitae), Labcorp); PubMed 26295337 (cited by Quest Diagnostics Nichols Institute San Juan Capistrano).